The following is an entry in ClinVar:

NM_003327.4(TNFRSF4):c.268+6C>T

Gene: TNFRSF4 (TNF receptor superfamily member 4; minus strand). Cytogenetic location: 1p36.33.
Variant type: single nucleotide variant.
Coding change: c.268+6C>T on transcript NM_003327.4 (MANE Select); 6 bases into the intron after coding-DNA position 268, C replaced by T.
Molecular consequence: intron variant.
Genome position (GRCh38, 1-based): chr1:1,213,657, G>A on the plus strand (C>T on the coding strand, the complement: TNFRSF4 is on the minus strand). VCF-style: chr1-1213657-G-A. GRCh37 (hg19) VCF-style: chr1-1149037-G-A.
Identifiers: ClinVar variation 1483940 (VCV001483940.6), dbSNP rs1323320126, ClinGen allele CA520599566.

ClinVar aggregate classification (germline): Uncertain significance (1 of 4 stars; one submission).

Conditions:
Combined immunodeficiency due to OX40 deficiency. Also called: OX40 DEFICIENCY; Immunodeficiency 16. Identifiers: Orphanet 431149, MedGen C3810053, MONDO:0014268, OMIM 615593.

Submission:

Labcorp Genetics (formerly Invitae), Labcorp
Classification: Uncertain significance for Combined immunodeficiency due to OX40 deficiency. Last evaluated: 2025-07-16. Review status: criteria provided, single submitter. Criteria: Invitae Variant Classification Sherloc (09022015). Collection method: clinical testing. Allele origin: germline.
Comment: This sequence change falls in intron 2 of the TNFRSF4 gene. It does not directly change the encoded amino acid sequence of the TNFRSF4 protein. It affects a nucleotide within the consensus splice site. This variant is not present in population databases (gnomAD no frequency). This variant has not been reported in the literature in individuals affected with TNFRSF4-related conditions. ClinVar contains an entry for this variant (Variation ID: 1483940). Variants that disrupt the consensus splice site are a relatively common cause of aberrant splicing (PMID: 17576681, 9536098). Algorithms developed to predict the effect of sequence changes on RNA splicing suggest that this variant is not likely to affect RNA splicing. In summary, the available evidence is currently insufficient to determine the role of this variant in disease. Therefore, it has been classified as a Variant of Uncertain Significance.

Literature cited by the submitters: PubMed 17576681; PubMed 9536098.